The following is an entry in ClinVar:

NM_001011658.4(TRAPPC2):c.324+1G>A

Genes: OFD1 (OFD1 centriole and centriolar satellite protein; plus strand), TRAPPC2 (trafficking protein particle complex subunit 2; minus strand). Cytogenetic location: Xp22.2.
Variant type: single nucleotide variant.
Coding change: c.324+1G>A on transcript NM_001011658.4 (MANE Select); the canonical splice donor site of the intron after coding-DNA position 324, G replaced by A.
Molecular consequence: splice donor variant.
Genome position (GRCh38, 1-based): chrX:13,716,003, C>T on the plus strand (G>A on the coding strand, the complement: TRAPPC2 is on the minus strand). VCF-style: chrX-13716003-C-T. GRCh37 (hg19) VCF-style: chrX-13734122-C-T.
Other names: c.324+1G>A (NM_014563.6); c.426+1G>A (NM_001128835.3).
Identifiers: ClinVar variation 1993776 (VCV001993776.4), dbSNP rs2046279070, ClinGen allele CA412324020.

ClinVar aggregate classification (germline): Pathogenic (1 of 4 stars; one submission).

Allele frequency attached by ClinVar (database versions not stated): TOPMed 0.00001.

Submission:

Labcorp Genetics (formerly Invitae), Labcorp
Classification: Pathogenic. Last evaluated: 2024-01-03. Review status: criteria provided, single submitter. Criteria: Invitae Variant Classification Sherloc (09022015). Collection method: clinical testing. Allele origin: germline.
Comment: This sequence change affects a donor splice site in intron 5 of the TRAPPC2 gene. While this variant is not anticipated to result in nonsense mediated decay, it likely alters RNA splicing and results in a disrupted protein product. This variant is not present in population databases (gnomAD no frequency). Disruption of this splice site has been observed in individual(s) with clinical features of spondyloepiphyseal dysplasia tarda (PMID: 34006472). ClinVar contains an entry for this variant (Variation ID: 1993776). Variants that disrupt the consensus splice site are a relatively common cause of aberrant splicing (PMID: 17576681, 9536098). This variant disrupts a region of the TRAPPC2 protein in which other variant(s) (p.Arg122*) have been determined to be pathogenic (PMID: 11443194; Invitae). This suggests that this is a clinically significant region of the protein, and that variants that disrupt it are likely to be disease-causing. For these reasons, this variant has been classified as Pathogenic.

Literature cited by the submitters: PubMed 34006472; PubMed 17576681; PubMed 9536098; PubMed 11443194.